The following is an entry in ClinVar:

NM_006361.6(HOXB13):c.483C>G (p.Asp161Glu)

Gene: HOXB13 (homeobox B13; minus strand). Cytogenetic location: 17q21.32.
Variant type: single nucleotide variant.
Coding change: c.483C>G on transcript NM_006361.6 (MANE Select); coding-DNA position 483, C replaced by G.
Protein change: p.Asp161Glu; replaces aspartic acid 161 with glutamic acid.
Molecular consequence: missense variant.
Genome position (GRCh38, 1-based): chr17:48,728,111, G>C on the plus strand (C>G on the coding strand, the complement: HOXB13 is on the minus strand). VCF-style: chr17-48728111-G-C. GRCh37 (hg19) VCF-style: chr17-46805473-G-C.
Other names: short protein forms D161E.
Identifiers: ClinVar variation 825220 (VCV000825220.14), dbSNP rs1597934066, ClinGen allele CA400107360.

ClinVar aggregate classification (germline): Uncertain significance. Review status: criteria provided, multiple submitters, no conflicts (2 of 4 stars). 2 submissions from 2 submitters: Uncertain significance (2). Last evaluated 2024-10-12.

Conditions:
Hereditary cancer-predisposing syndrome. Also called: Neoplastic Syndromes, Hereditary; Tumor predisposition; Hereditary neoplastic syndrome; Hereditary Cancer Syndrome. Identifiers: Orphanet 140162, MedGen C0027672, MeSH D009386, MONDO:0015356.

Submissions (2):

Ambry Genetics
Classification: Uncertain significance for Hereditary cancer-predisposing syndrome. Last evaluated: 2024-10-12. Review status: criteria provided, single submitter. Criteria: Ambry Variant Classification Scheme 2023. Collection method: clinical testing. Allele origin: germline.
Comment: The p.D161E variant (also known as c.483C>G), located in coding exon 1 of the HOXB13 gene, results from a C to G substitution at nucleotide position 483. The aspartic acid at codon 161 is replaced by glutamic acid, an amino acid with highly similar properties. This amino acid position is well conserved in available vertebrate species. In addition, this alteration is predicted to be tolerated by in silico analysis. Since supporting evidence is limited at this time, the clinical significance of this alteration remains unclear.

Labcorp Genetics (formerly Invitae), Labcorp
Classification: Uncertain significance. Last evaluated: 2022-09-01. Review status: criteria provided, single submitter. Criteria: Invitae Variant Classification Sherloc (09022015). Collection method: clinical testing. Allele origin: germline.
Comment: This variant is not present in population databases (gnomAD no frequency). This variant has not been reported in the literature in individuals affected with HOXB13-related conditions. ClinVar contains an entry for this variant (Variation ID: 825220). Algorithms developed to predict the effect of missense changes on protein structure and function output the following: SIFT: "Tolerated"; PolyPhen-2: "Benign"; Align-GVGD: "Class C0". The glutamic acid amino acid residue is found in multiple mammalian species, which suggests that this missense change does not adversely affect protein function. In summary, the available evidence is currently insufficient to determine the role of this variant in disease. Therefore, it has been classified as a Variant of Uncertain Significance. This sequence change replaces aspartic acid, which is acidic and polar, with glutamic acid, which is acidic and polar, at codon 161 of the HOXB13 protein (p.Asp161Glu).